The following is an entry in ClinVar:

ClinVar aggregate classification (germline): Uncertain significance (1 of 4 stars; one submission).

Allele frequency attached by ClinVar (database versions not stated): gnomAD 0.00002; TOPMed 0.00002.

Submission:

Labcorp Genetics (formerly Invitae), Labcorp
Classification: Uncertain significance. Last evaluated: 2025-07-31. Review status: criteria provided, single submitter. Criteria: Invitae Variant Classification Sherloc (09022015). Collection method: clinical testing. Allele origin: germline.
Comment: This sequence change replaces valine, which is neutral and non-polar, with alanine, which is neutral and non-polar, at codon 952 of the TOPORS protein (p.Val952Ala). This variant is not present in population databases (gnomAD no frequency). This variant has not been reported in the literature in individuals affected with TOPORS-related conditions. ClinVar contains an entry for this variant (Variation ID: 2984454). Experimental studies and prediction algorithms are not available or were not evaluated, and the functional significance of this variant is currently unknown. In summary, the available evidence is currently insufficient to determine the role of this variant in disease. Therefore, it has been classified as a Variant of Uncertain Significance.

NM_005802.5(TOPORS):c.2855T>C (p.Val952Ala)

Gene: TOPORS (TOP1 binding arginine/serine rich protein, E3 ubiquitin ligase; minus strand). Cytogenetic location: 9p21.1.
Variant type: single nucleotide variant.
Coding change: c.2855T>C on transcript NM_005802.5 (MANE Select); coding-DNA position 2855, T replaced by C.
Protein change: p.Val952Ala; replaces valine 952 with alanine.
Molecular consequence: missense variant.
Genome position (GRCh38, 1-based): chr9:32,541,670, A>G on the plus strand (T>C on the coding strand, the complement: TOPORS is on the minus strand). VCF-style: chr9-32541670-A-G. GRCh37 (hg19) VCF-style: chr9-32541668-A-G.
Other names: c.2660T>C, p.Val887Ala (NM_001195622.2); short protein forms V887A, V952A.
Identifiers: ClinVar variation 2984454 (VCV002984454.3), dbSNP rs1417720427, ClinGen allele CA373160358.